The following is an entry in ClinVar:

ClinVar aggregate classification (germline): Likely benign. Review status: criteria provided, multiple submitters, no conflicts (2 of 4 stars). 2 submissions from 2 submitters: Likely benign (2). Last evaluated 2026-05-01.

Allele frequency attached by ClinVar (database versions not stated): gnomAD 0.00003; TOPMed 0.00003; ExAC 0.00007; 1000 Genomes Project 30x 0.00016; 1000 Genomes Project 0.00020.
gnomAD v4.1: 32 of 1,601,896 alleles (0.002%); highest among the groups gnomAD compares: Admixed American, 0.024%; 1 homozygote.

Submissions (2):

CeGaT Center for Human Genetics Tuebingen
Classification: Likely benign. Last evaluated: 2026-05-01. Review status: criteria provided, single submitter. Criteria: CeGaT Center For Human Genetics Tuebingen Variant Classification Criteria Version 2. Collection method: clinical testing. Allele origin: germline. Affected: yes. Observed: 1 variant allele.
Comment: ORC6: BP4, BP7

Labcorp Genetics (formerly Invitae), Labcorp
Classification: Likely benign. Last evaluated: 2025-02-25. Review status: criteria provided, single submitter. Criteria: Invitae Variant Classification Sherloc (09022015). Collection method: clinical testing. Allele origin: germline.

NM_014321.4(ORC6):c.12G>A (p.Glu4=)

Gene: ORC6 (origin recognition complex subunit 6; plus strand). Cytogenetic location: 16q11.2.
Variant type: single nucleotide variant.
Coding change: c.12G>A on transcript NM_014321.4 (MANE Select); coding-DNA position 12, G replaced by A.
Protein change: p.Glu4=; no amino-acid change (glutamic acid 4 retained).
Molecular consequence: synonymous variant. On other transcripts: non-coding transcript variant (1).
Genome position (GRCh38, 1-based): chr16:46,689,717, G>A. VCF-style: chr16-46689717-G-A. GRCh37 (hg19) VCF-style: chr16-46723629-G-A.
Identifiers: ClinVar variation 2963034 (VCV002963034.5), dbSNP rs566287766, ClinGen allele CA8037246.